The following is an entry in ClinVar:

NM_024809.5(TCTN2):c.1751T>C (p.Ile584Thr)

Gene: TCTN2 (tectonic family member 2; plus strand). Cytogenetic location: 12q24.31.
Variant type: single nucleotide variant.
Coding change: c.1751T>C on transcript NM_024809.5 (MANE Select); coding-DNA position 1751, T replaced by C.
Protein change: p.Ile584Thr; replaces isoleucine 584 with threonine.
Molecular consequence: missense variant.
Genome position (GRCh38, 1-based): chr12:123,704,670, T>C. VCF-style: chr12-123704670-T-C. GRCh37 (hg19) VCF-style: chr12-124189217-T-C.
Other names: c.1748T>C, p.Ile583Thr (NM_001143850.3); c.1616T>C, p.Ile539Thr (NM_001410989.1); short protein forms I539T, I583T, I584T.
Identifiers: ClinVar variation 1933034 (VCV001933034.5), dbSNP rs201010803, ClinGen allele CA387147836.

ClinVar aggregate classification (germline): Likely pathogenic (1 of 4 stars; one submission).

Conditions:
Joubert syndrome. Also called: CEREBELLOPARENCHYMAL DISORDER IV; JOUBERT-BOLTSHAUSER SYNDROME; Familial aplasia of the vermis. Identifiers: Orphanet 475, MedGen C5979921, MONDO:0018772.
Meckel-Gruber syndrome. Also called: DYSENCEPHALIA SPLANCHNOCYSTICA; GRUBER SYNDROME; Dysencephalia splachnocystica. Identifiers: Orphanet 564, MedGen C0265215, MONDO:0018921.

gnomAD v4.1: 1 of 1,613,630 alleles (0.000062%); highest among the groups gnomAD compares: Admixed American, 0.0017%; no homozygotes.

Submission:

Labcorp Genetics (formerly Invitae), Labcorp
Classification: Likely pathogenic for Joubert syndrome; Meckel-Gruber syndrome. Last evaluated: 2023-11-27. Review status: criteria provided, single submitter. Criteria: Invitae Variant Classification Sherloc (09022015). Collection method: clinical testing. Allele origin: germline.
Comment: This sequence change replaces isoleucine, which is neutral and non-polar, with threonine, which is neutral and polar, at codon 584 of the TCTN2 protein (p.Ile584Thr). This variant is present in population databases (no rsID available, gnomAD 0.003%). This variant has not been reported in the literature in individuals affected with TCTN2-related conditions. ClinVar contains an entry for this variant (Variation ID: 1933034). Advanced modeling of protein sequence and biophysical properties (such as structural, functional, and spatial information, amino acid conservation, physicochemical variation, residue mobility, and thermodynamic stability) performed at Invitae indicates that this missense variant is expected to disrupt TCTN2 protein function with a positive predictive value of 80%. This variant disrupts the p.Ile584 amino acid residue in TCTN2. Other variant(s) that disrupt this residue have been determined to be pathogenic (PMID: 26092869). This suggests that this residue is clinically significant, and that variants that disrupt this residue are likely to be disease-causing. In summary, the currently available evidence indicates that the variant is pathogenic, but additional data are needed to prove that conclusively. Therefore, this variant has been classified as Likely Pathogenic.

Literature cited by the submitters: PubMed 26092869.